The following is an entry in ClinVar:

NM_003797.5(EED):c.4T>C (p.Ser2Pro)

Gene: EED (embryonic ectoderm development; plus strand). Cytogenetic location: 11q14.2.
Variant type: single nucleotide variant.
Coding change: c.4T>C on transcript NM_003797.5 (MANE Select); coding-DNA position 4, T replaced by C.
Protein change: p.Ser2Pro; replaces serine 2 with proline.
Molecular consequence: missense variant.
Genome position (GRCh38, 1-based): chr11:86,245,233, T>C. VCF-style: chr11-86245233-T-C. GRCh37 (hg19) VCF-style: chr11-85956275-T-C.
Other names: c.4T>C, p.Ser2Pro (NM_001308007.2, NM_001330334.2); short protein forms S2P.
Identifiers: ClinVar variation 1975108 (VCV001975108.5), dbSNP rs745543096, ClinGen allele CA6216276.
Genomic context (GRCh38, chr11:86,245,233, plus strand): 5'-GCGGTGTGGCGGAGGCCCCGCCCCAGGCGGCAGGAACCTGGAGGGAGGCGGAGGAATATG[T>C]CCGAGAGGGAAGTGTCGACTGCGCCGGCGGGAACAGACATGCCTGCGGCCAAGAAGCAGA-3'
Protein context (NP_003788.2, residues 1-12): M[Ser2Pro]EREVSTAPAG

ClinVar aggregate classification (germline): Uncertain significance (1 of 4 stars; one submission).

Conditions:
Cohen-Gibson syndrome (COGIS). Also called: EED-Related Overgrowth. Identifiers: Orphanet 659396, MedGen C4479654, MONDO:0060510, OMIM 617561.

Allele frequency attached by ClinVar (database versions not stated): TOPMed below 0.00001.
gnomAD v4.1: 11 of 1,612,920 alleles (0.00068%); highest among the groups gnomAD compares: East Asian, 0.0045%; no homozygotes.

Submission:

Labcorp Genetics (formerly Invitae), Labcorp
Classification: Uncertain significance for Cohen-Gibson syndrome. Last evaluated: 2022-05-17. Review status: criteria provided, single submitter. Criteria: Invitae Variant Classification Sherloc (09022015). Collection method: clinical testing. Allele origin: germline.
Comment: In summary, the available evidence is currently insufficient to determine the role of this variant in disease. Therefore, it has been classified as a Variant of Uncertain Significance. Algorithms developed to predict the effect of missense changes on protein structure and function are either unavailable or do not agree on the potential impact of this missense change (SIFT: "Deleterious"; PolyPhen-2: "Benign"; Align-GVGD: "Class C0"). This sequence change replaces serine, which is neutral and polar, with proline, which is neutral and non-polar, at codon 2 of the EED protein (p.Ser2Pro). This variant has not been reported in the literature in individuals affected with EED-related conditions. This variant is present in population databases (rs745543096, gnomAD 0.006%).